The following is an entry in ClinVar:

ClinVar aggregate classification (germline): Uncertain significance (1 of 4 stars; one submission).

Conditions:
Lymphedema-posterior choanal atresia syndrome. Identifiers: Orphanet 99141, MedGen C3150875, MONDO:0013324, OMIM 613611.

Allele frequency attached by ClinVar (database versions not stated): gnomAD 0.00001.
gnomAD v4.1: 6 of 1,613,292 alleles (0.00037%); highest among the groups gnomAD compares: East Asian, 0.0022%; no homozygotes.

Submission:

Clinical Genomics Laboratory, Washington University in St. Louis
Classification: Uncertain significance for Lymphedema-posterior choanal atresia syndrome. Last evaluated: 2023-08-26. Review status: criteria provided, single submitter. Criteria: ACMG Guidelines, 2015. Collection method: clinical testing. Allele origin: germline.
Comment: The PTPN14 c.2164C>T (p.Pro722Ser) variant was identified at a near heterozygous allelic fraction. The PTPN14 c.2164C>T (p.Pro722Ser) variant, to our knowledge, has not been reported in the medical literature. This variant is only observed on 1/152250 alleles in the general population (gnomAD v.2.1.1), indicating it is not a common variant. Computational predictors suggest that this variant does not impact PTPN14 function, however, functional evidence on this variant is lacking. Due to limited information and based on ACMG/AMP guidelines for variant interpretation (Richards S et al., PMID: 25741868), the clinical significance of this variant is uncertain at this time.

NM_005401.5(PTPN14):c.2164C>T (p.Pro722Ser)

Gene: PTPN14 (protein tyrosine phosphatase non-receptor type 14; minus strand). Cytogenetic location: 1q32.3.
Variant type: single nucleotide variant.
Coding change: c.2164C>T on transcript NM_005401.5 (MANE Select); coding-DNA position 2164, C replaced by T.
Protein change: p.Pro722Ser; replaces proline 722 with serine.
Molecular consequence: missense variant.
Genome position (GRCh38, 1-based): chr1:214,383,691, G>A on the plus strand (C>T on the coding strand, the complement: PTPN14 is on the minus strand). VCF-style: chr1-214383691-G-A. GRCh37 (hg19) VCF-style: chr1-214557034-G-A.
Other names: short protein forms P722S.
Identifiers: ClinVar variation 2672235 (VCV002672235.1), dbSNP rs1435611997, ClinGen allele CA344810127.
Genomic context (GRCh38, chr1:214,383,691, plus strand): 5'-CCAGGGCCGCCTGCAGCTGGGCACTGTACTCCATCTTCTCCCGGAGCATGGGGATCTGGG[G>A]CACCGATTCTGGAGCCTCCTCCTCCTCCTCCTCACTCTCGCTGCTGTGGATTAGCATAGT-3'
Protein context (NP_005392.2, residues 712-732): EEEEEAPESV[Pro722Ser]QIPMLREKME